The following is an entry in ClinVar:

NM_001282717.2(STAG3):c.423C>A (p.Cys141Ter)

Gene: STAG3 (STAG3 cohesin complex component; plus strand). Cytogenetic location: 7q22.1.
Variant type: single nucleotide variant.
Coding change: c.423C>A on transcript NM_001282717.2 (MANE Select); coding-DNA position 423, C replaced by A.
Protein change: p.Cys141Ter; replaces cysteine 141 with a stop codon.
Molecular consequence: nonsense. On other transcripts: intron variant (1).
Genome position (GRCh38, 1-based): chr7:100,186,286, C>A. VCF-style: chr7-100186286-C-A. GRCh37 (hg19) VCF-style: chr7-99783909-C-A.
Other names: c.423C>A, p.Cys141Ter (NM_001282716.1, NM_001375438.1, NM_012447.4); c.337-2526C>A (NM_001282718.2); short protein forms C141*.
Identifiers: ClinVar variation 4884955 (VCV004884955.2).

ClinVar aggregate classification (germline): Likely pathogenic (1 of 4 stars; one submission).

gnomAD v4.1: 201 of 1,613,706 alleles (0.012%); highest among the groups gnomAD compares: Non-Finnish European, 0.016%; no homozygotes.

Submission:

Dasa
Classification: Likely pathogenic. Last evaluated: 2024-10-30. Review status: criteria provided, single submitter. Criteria: DASA Assertion Criteria. Collection method: clinical testing. Allele origin: germline.
Comment: NM_001282717.2(STAG3):c.423C>A (p.Cys141*) is a nonsense variant in STAG3 predicted to introduce a premature termination codon and is predicted to result in an absent or altered protein product. Loss of function is an established disease mechanism for STAG3-associated disorders. Also, this variant is rare in population databases. Based on the currently available evidence, this variant is classified as likely pathogenic.